The following is an entry in ClinVar:

NM_004415.4(DSP):c.5915G>A (p.Arg1972Lys)

Gene: DSP (desmoplakin; plus strand). Cytogenetic location: 6p24.3.
Variant type: single nucleotide variant.
Coding change: c.5915G>A on transcript NM_004415.4 (MANE Select); coding-DNA position 5915, G replaced by A.
Protein change: p.Arg1972Lys; replaces arginine 1972 with lysine.
Molecular consequence: missense variant.
Genome position (GRCh38, 1-based): chr6:7,583,177, G>A. VCF-style: chr6-7583177-G-A. GRCh37 (hg19) VCF-style: chr6-7583410-G-A.
Other names: p.Arg1972Lys; c.4118G>A, p.Arg1373Lys (NM_001008844.3); c.4586G>A, p.Arg1529Lys (NM_001319034.2); short protein forms R1373K, R1529K, R1972K.
Identifiers: ClinVar variation 4880041 (VCV004880041.1).

ClinVar aggregate classification (germline): Uncertain significance (1 of 4 stars; one submission).

Conditions:
Arrhythmogenic right ventricular dysplasia 8 (ARVD8). Also called: ARRHYTHMOGENIC RIGHT VENTRICULAR DYSPLASIA, FAMILIAL, 8; ARRHYTHMOGENIC RIGHT VENTRICULAR CARDIOMYOPATHY 8; Arrhythmogenic Right Ventricular Dysplasia/Cardiomyopathy 8. Identifiers: MedGen C1843896, MONDO:0011831, OMIM 607450.
Cardiomyopathy, dilated, with wooly hair, keratoderma, and tooth agenesis. Also called: Cardiomyopathy, dilated, with woolly hair, keratoderma, and tooth agenesis; Erythrokeratodermia-cardiomyopathy syndrome. Identifiers: Orphanet 476096, Orphanet 65282, MedGen C4014393, MONDO:0014355, OMIM 615821.

Submission:

Department of Molecular Genetics, Istishari Arab Hospital
Classification: Uncertain significance for Arrhythmogenic right ventricular dysplasia 8; Cardiomyopathy, dilated, with wooly hair, keratoderma, and tooth agenesis. Last evaluated: 2026-08-03. Review status: criteria provided, single submitter. Criteria: ACMG Guidelines, 2015. Collection method: clinical testing. Allele origin: germline. Inheritance: Autosomal dominant inheritance. Affected: yes.
Comment: The DSP variant c.5915G>A, p.Arg1972Lys creates an amino acid change from Arg to Lys at position 1972 in exon 24 (out of 24 exons). The variant is not observed in the gnomAD v4.1.0 dataset, and to the best of our knowledge, it was not previously reported in the literature. It is classified as a variant of uncertain significance according to the recommendations of ACMG/AMP/ClinGen SVI guidelines.